The following is an entry in ClinVar:

ClinVar aggregate classification (germline): Uncertain significance (1 of 4 stars; one submission).

Submission:

Ambry Genetics
Classification: Uncertain significance. Last evaluated: 2026-08-18. Review status: criteria provided, single submitter. Criteria: Ambry Variant Classification Scheme 2023. Collection method: clinical testing. Allele origin: germline.
Comment: The p.L236V variant (also known as c.706C>G), located in coding exon 7 of the SRP72 gene, results from a C to G substitution at nucleotide position 706. The leucine at codon 236 is replaced by valine, an amino acid with highly similar properties. This amino acid position is conserved. In addition, the in silico prediction for this alteration is inconclusive. Based on the available evidence, the clinical significance of this variant remains unclear.

NM_006947.4(SRP72):c.706C>G (p.Leu236Val)

Gene: SRP72 (signal recognition particle 72; plus strand). Cytogenetic location: 4q12.
Variant type: single nucleotide variant.
Coding change: c.706C>G on transcript NM_006947.4 (MANE Select); coding-DNA position 706, C replaced by G.
Protein change: p.Leu236Val; replaces leucine 236 with valine.
Molecular consequence: missense variant. On other transcripts: non-coding transcript variant (1), intron variant (1).
Genome position (GRCh38, 1-based): chr4:56,478,442, C>G. VCF-style: chr4-56478442-C-G. GRCh37 (hg19) VCF-style: chr4-57344608-C-G.
Other names: c.642+1740C>G (NM_001267722.2); short protein forms L236V.
Identifiers: ClinVar variation 5030254 (VCV005030254.1).